The following is an entry in ClinVar:

NM_005219.5(DIAPH1):c.1151G>T (p.Arg384Leu)

Gene: DIAPH1 (diaphanous related formin 1; minus strand). Cytogenetic location: 5q31.3.
Variant type: single nucleotide variant.
Coding change: c.1151G>T on transcript NM_005219.5 (MANE Select); coding-DNA position 1151, G replaced by T.
Protein change: p.Arg384Leu; replaces arginine 384 with leucine.
Molecular consequence: missense variant.
Genome position (GRCh38, 1-based): chr5:141,578,237, C>A on the plus strand (G>T on the coding strand, the complement: DIAPH1 is on the minus strand). VCF-style: chr5-141578237-C-A. GRCh37 (hg19) VCF-style: chr5-140957804-C-A.
Other names: c.1124G>T, p.Arg375Leu (NM_001079812.3); c.1151G>T, p.Arg384Leu (NM_001314007.2); short protein forms R375L, R384L.
Identifiers: ClinVar variation 644123 (VCV000644123.9), dbSNP rs200927557, ClinGen allele CA3479377.
Genomic context (GRCh38, chr5:141,578,237, plus strand): 5'-ATACAATGAATGTCTCATCTGCCTTGAACCTAGTCAGCAAAAGGATATTCCATCTCCATG[C>A]GAATGTCATCCAGCCGTCCCTTCAGGTCATAGGAATCCTCTTCCCCTTGTTCATCAAACA-3'
Protein context (NP_005210.3, residues 374-394): YDLKGRLDDI[Arg384Leu]MEMDDFNEVF

ClinVar aggregate classification (germline): Uncertain significance (1 of 4 stars; one submission).

Conditions:
Autosomal dominant nonsyndromic hearing loss 1. Also called: DEAFNESS, AUTOSOMAL DOMINANT 1, WITH OR WITHOUT THROMBOCYTOPENIA; KONIGSMARK SYNDROME. Identifiers: Orphanet 90635, MedGen C1852282, MONDO:0007424, OMIM 124900.
Progressive microcephaly-seizures-cortical blindness-developmental delay syndrome. Also called: Seizures, cortical blindness, and microcephaly syndrome. Identifiers: Orphanet 477814, MedGen C5567650, MONDO:0014714, OMIM 616632.

Allele frequency attached by ClinVar (database versions not stated): TOPMed 0.00001.
gnomAD v4.1: 13 of 1,613,106 alleles (0.00081%); highest among the groups gnomAD compares: Non-Finnish European, 0.00042%; no homozygotes.

Submission:

Labcorp Genetics (formerly Invitae), Labcorp
Classification: Uncertain significance for Progressive microcephaly-seizures-cortical blindness-developmental delay syndrome; Autosomal dominant nonsyndromic hearing loss 1. Last evaluated: 2025-08-26. Review status: criteria provided, single submitter. Criteria: Invitae Variant Classification Sherloc (09022015). Collection method: clinical testing. Allele origin: germline.
Comment: This sequence change replaces arginine, which is basic and polar, with leucine, which is neutral and non-polar, at codon 384 of the DIAPH1 protein (p.Arg384Leu). This variant is present in population databases (rs200927557, gnomAD 0.03%). This variant has not been reported in the literature in individuals affected with DIAPH1-related conditions. ClinVar contains an entry for this variant (Variation ID: 644123). Experimental studies and prediction algorithms are not available or were not evaluated, and the functional significance of this variant is currently unknown. In summary, the available evidence is currently insufficient to determine the role of this variant in disease. Therefore, it has been classified as a Variant of Uncertain Significance.